The following is an entry in ClinVar:

ClinVar aggregate classification (germline): Conflicting classifications of pathogenicity. Review status: criteria provided, conflicting classifications (1 of 4 stars). 3 submissions from 3 submitters: Uncertain significance (1); Likely benign (2). Last evaluated 2025-09-29.

Conditions:
MBD4-related disorder. Also called: MBD4-related condition.
Inborn genetic diseases. Identifiers: MedGen C0950123, MeSH D030342.

Allele frequency attached by ClinVar (database versions not stated): ExAC 0.00002; gnomAD 0.00007; ESP Exome Variant Server 0.00015; TOPMed 0.00019.

Submissions (3):

PreventionGenetics, part of Exact Sciences
Classification: Likely benign for MBD4-related condition. Last evaluated: 2025-09-29. Review status: criteria provided, single submitter. Criteria: ACMG Guidelines, 2015. Collection method: clinical testing. Allele origin: germline.
Comment: This variant is classified as likely benign based on ACMG/AMP sequence variant interpretation guidelines (Richards et al. 2015 PMID: 25741868, with internal and published modifications).

Ambry Genetics
Classification: Uncertain significance for Inborn genetic diseases. Last evaluated: 2024-12-08. Review status: criteria provided, single submitter. Criteria: Ambry Variant Classification Scheme 2023. Collection method: clinical testing. Allele origin: germline.
Comment: The c.-5G>C variant is located in the 5' untranslated region (5&rsquo; UTR) of the MBD4 gene. This variant results from a G to C substitution 5 bases upstream from the first translated codon. This nucleotide position is not well conserved in available vertebrate species. Based on the available evidence, the clinical significance of this variant remains unclear.

Genetic Services Laboratory, University of Chicago
Classification: Likely benign. Last evaluated: 2021-07-22. Review status: criteria provided, single submitter. Criteria: ACMG Guidelines, 2015. Collection method: clinical testing. Allele origin: germline. Affected: no.

NM_001276270.2(MBD4):c.-5G>C

Genes: MBD4 (methyl-CpG binding domain 4, DNA glycosylase; minus strand), LOC129937550 (ATAC-STARR-seq lymphoblastoid active region 20512; plus strand). Cytogenetic location: 3q21.3.
Variant type: single nucleotide variant.
Coding change: c.-5G>C on transcript NM_001276270.2 (MANE Select); 5 bases upstream of the start codon, G replaced by C.
Molecular consequence: 5 prime UTR variant.
Genome position (GRCh38, 1-based): chr3:129,439,838, C>G on the plus strand (G>C on the coding strand, the complement: MBD4 is on the minus strand). VCF-style: chr3-129439838-C-G. GRCh37 (hg19) VCF-style: chr3-129158681-C-G.
Other names: c.-5G>C (NM_001276271.2, NM_001276272.2, NM_001276273.2 and 1 more transcripts).
Identifiers: ClinVar variation 1337963 (VCV001337963.6), dbSNP rs373196573, ClinGen allele CA2605637.